The following is an entry in ClinVar:

NM_018127.7(ELAC2):c.1567C>T (p.Gln523Ter)

Gene: ELAC2 (elaC ribonuclease Z 2; minus strand). Cytogenetic location: 17p12.
Variant type: single nucleotide variant.
Coding change: c.1567C>T on transcript NM_018127.7 (MANE Select); coding-DNA position 1567, C replaced by T.
Protein change: p.Gln523Ter; replaces glutamine 523 with a stop codon.
Molecular consequence: nonsense.
Genome position (GRCh38, 1-based): chr17:12,996,639, G>A on the plus strand (C>T on the coding strand, the complement: ELAC2 is on the minus strand). VCF-style: chr17-12996639-G-A. GRCh37 (hg19) VCF-style: chr17-12899956-G-A.
Other names: c.1447C>T, p.Gln483Ter (NM_001165962.2); c.1564C>T, p.Gln522Ter (NM_173717.2); short protein forms Q483*, Q522*, Q523*.
Identifiers: ClinVar variation 870073 (VCV000870073.7), dbSNP rs2040486497, ClinGen allele CA398224042.
Genomic context (GRCh38, chr17:12,996,639, plus strand): 5'-ACACAGCAGCCAGGGTGCCCAGGACCCTGTCCACCTGGTCTCCGTAATGACGGCACAGCT[G>A]CCCAAATGTGCCCTCACCACAGTCCAGTAGCAGAGACGTGTCGGGGCTGCAGAAGAGAAG-3'

ClinVar aggregate classification (germline): Conflicting classifications of pathogenicity. Review status: criteria provided, conflicting classifications (1 of 4 stars). 2 submissions from 2 submitters: Pathogenic (1); Uncertain significance (1). Last evaluated 2022-08-09.

Conditions:
Combined oxidative phosphorylation defect type 17. Also called: Combined oxidative phosphorylation deficiency 17. Identifiers: Orphanet 369913, MedGen C3809526, MONDO:0014190, OMIM 615440.

Allele frequency attached by ClinVar (database versions not stated): gnomAD exomes below 0.00001.
gnomAD v4.1: 1 of 1,613,980 alleles (0.000062%); highest among the groups gnomAD compares: Non-Finnish European, 0.000085%; no homozygotes.

Submissions (2):

Labcorp Genetics (formerly Invitae), Labcorp
Classification: Pathogenic for Combined oxidative phosphorylation defect type 17. Last evaluated: 2022-08-09. Review status: criteria provided, single submitter. Criteria: Invitae Variant Classification Sherloc (09022015). Collection method: clinical testing. Allele origin: germline.
Comment: For these reasons, this variant has been classified as Pathogenic. ClinVar contains an entry for this variant (Variation ID: 870073). This variant has not been reported in the literature in individuals affected with ELAC2-related conditions. This variant is not present in population databases (gnomAD no frequency). This sequence change creates a premature translational stop signal (p.Gln523*) in the ELAC2 gene. It is expected to result in an absent or disrupted protein product. Loss-of-function variants in ELAC2 are known to be pathogenic (PMID: 27769300, 31045291).

Agnes Ginges Centre for Molecular Cardiology, Centenary Institute
Classification: Uncertain significance for Combined oxidative phosphorylation defect type 17. Last evaluated: 2018-03-02. Review status: criteria provided, single submitter. Criteria: ACMG Guidelines, 2015. Collection method: research. Allele origin: germline. Inheritance: Autosomal recessive inheritance. Affected: yes.
Comment: ELAC2 Gln523Ter has not been previously reported and is absent from the Genome Aggregation Database. It is very probable that these variants in combinations are causing disease in a recessive manner, however there is not enough information to prove this. Based on the ACMG guidelines (Richards S, et al., 2015) this variant meets only the very rare in the general population criteria (PM2), therefore we classify ELAC2 Gln523Ter as a variant of 'uncertain significance'.

Literature cited by the submitters: PubMed 27769300 (cited by Labcorp Genetics (formerly Invitae), Labcorp); PubMed 31045291 (cited by Labcorp Genetics (formerly Invitae), Labcorp).